The following is an entry in ClinVar:

ClinVar aggregate classification (germline): Pathogenic (1 of 4 stars; one submission).

Conditions:
Paget disease of bone 2, early-onset (PDB2). Also called: Paget disease of bone 2. Identifiers: MedGen C4085251, MONDO:0011183, OMIM 602080.
Frontotemporal dementia and/or amyotrophic lateral sclerosis 1 (FTDALS1). Also called: Frontotemporal dementia with motor neuron disease 1; C9orf72 Frontotemporal Dementia and/or Amyotrophic Lateral Sclerosis. Identifiers: Orphanet 275872, MedGen C5779877, MONDO:0007105, OMIM 105550.

Submission:

Labcorp Genetics (formerly Invitae), Labcorp
Classification: Pathogenic for Paget disease of bone 2, early-onset; Frontotemporal dementia and/or amyotrophic lateral sclerosis 1. Last evaluated: 2023-07-02. Review status: criteria provided, single submitter. Criteria: Invitae Variant Classification Sherloc (09022015). Collection method: clinical testing. Allele origin: germline.
Comment: This variant has not been reported in the literature in individuals affected with SQSTM1-related conditions. This variant is not present in population databases (gnomAD no frequency). This sequence change creates a premature translational stop signal (p.Gln325*) in the SQSTM1 gene. It is expected to result in an absent or disrupted protein product. Loss-of-function variants in SQSTM1 are known to be pathogenic (PMID: 27545679, 29959261). For these reasons, this variant has been classified as Pathogenic.

Literature cited by the submitters: PubMed 27545679; PubMed 29959261.

NM_003900.5(SQSTM1):c.973C>T (p.Gln325Ter)

Gene: SQSTM1 (sequestosome 1; plus strand). Cytogenetic location: 5q35.3.
Variant type: single nucleotide variant.
Coding change: c.973C>T on transcript NM_003900.5 (MANE Select); coding-DNA position 973, C replaced by T.
Protein change: p.Gln325Ter; replaces glutamine 325 with a stop codon.
Molecular consequence: nonsense.
Genome position (GRCh38, 1-based): chr5:179,833,590, C>T. VCF-style: chr5-179833590-C-T. GRCh37 (hg19) VCF-style: chr5-179260590-C-T.
Other names: c.721C>T, p.Gln241Ter (NM_001142298.2, NM_001142299.2); short protein forms Q241*, Q325*.
Identifiers: ClinVar variation 2949509 (VCV002949509.3), dbSNP rs1758351897, ClinGen allele CA362452318.